The following is an entry in ClinVar:

NM_004961.4(GABRE):c.826C>A (p.Arg276=)

Gene: GABRE (gamma-aminobutyric acid type A receptor subunit epsilon; minus strand). Cytogenetic location: Xq28.
Variant type: single nucleotide variant.
Coding change: c.826C>A on transcript NM_004961.4 (MANE Select); coding-DNA position 826, C replaced by A.
Protein change: p.Arg276=; no amino-acid change (arginine 276 retained).
Molecular consequence: synonymous variant.
Genome position (GRCh38, 1-based): chrX:151,955,819, G>T on the plus strand (C>A on the coding strand, the complement: GABRE is on the minus strand). VCF-style: chrX-151955819-G-T. GRCh37 (hg19) VCF-style: chrX-151124291-G-T.
Other names: NC_000023.10:g.151124291G>T.
Identifiers: ClinVar variation 2661661 (VCV002661661.25), dbSNP rs774077841, ClinGen allele CA519163287.

ClinVar aggregate classification (germline): Likely benign (1 of 4 stars; one submission).

gnomAD v4.1: 1 of 1,211,638 alleles (0.000083%); no homozygotes.

Submissions (2):

CeGaT Center for Human Genetics Tuebingen
Classification: Likely benign. Last evaluated: 2022-04-01. Review status: criteria provided, single submitter. Criteria: CeGaT Center For Human Genetics Tuebingen Variant Classification Criteria Version 2. Collection method: clinical testing. Allele origin: germline. Affected: yes. Observed: 1 variant allele.
Comment: GABRE: PM2:Supporting, BP4, BP7

Dr. Peter K. Rogan Lab, Western University
No classification provided (evidence only). Condition: Lung cancer. Review status: no classification provided. Collection method: in vitro. Allele origin: not applicable. Functional consequence: retained intron. Not counted in ClinVar's aggregate classification.